The following is an entry in ClinVar:

ClinVar aggregate classification (germline): Uncertain significance. Review status: criteria provided, multiple submitters, no conflicts (2 of 4 stars). 2 submissions from 2 submitters: Uncertain significance (2). Last evaluated 2025-07-07.

Conditions:
Inborn genetic diseases. Identifiers: MedGen C0950123, MeSH D030342.

Allele frequency attached by ClinVar (database versions not stated): gnomAD exomes 0.00001; TOPMed 0.00001; ExAC 0.00001; gnomAD 0.00001.
gnomAD v4.1: 11 of 1,613,888 alleles (0.00068%); highest among the groups gnomAD compares: African/African-American, 0.0027%; no homozygotes.

Submissions (2):

Labcorp Genetics (formerly Invitae), Labcorp
Classification: Uncertain significance. Last evaluated: 2025-07-07. Review status: criteria provided, single submitter. Criteria: Invitae Variant Classification Sherloc (09022015). Collection method: clinical testing. Allele origin: germline.
Comment: This sequence change replaces valine, which is neutral and non-polar, with isoleucine, which is neutral and non-polar, at codon 419 of the LMNB1 protein (p.Val419Ile). This variant is present in population databases (rs765795719, gnomAD 0.01%). This variant has not been reported in the literature in individuals affected with LMNB1-related conditions. ClinVar contains an entry for this variant (Variation ID: 2990708). Invitae Evidence Modeling of protein sequence and biophysical properties (such as structural, functional, and spatial information, amino acid conservation, physicochemical variation, residue mobility, and thermodynamic stability) indicates that this missense variant is not expected to disrupt LMNB1 protein function with a negative predictive value of 80%. In summary, the available evidence is currently insufficient to determine the role of this variant in disease. Therefore, it has been classified as a Variant of Uncertain Significance.

Ambry Genetics
Classification: Uncertain significance for Inborn genetic diseases. Last evaluated: 2024-01-08. Review status: criteria provided, single submitter. Criteria: Ambry Variant Classification Scheme 2023. Collection method: clinical testing. Allele origin: germline.

NM_005573.4(LMNB1):c.1255G>A (p.Val419Ile)

Gene: LMNB1 (lamin B1; plus strand). Cytogenetic location: 5q23.2.
Variant type: single nucleotide variant.
Coding change: c.1255G>A on transcript NM_005573.4 (MANE Select); coding-DNA position 1255, G replaced by A.
Protein change: p.Val419Ile; replaces valine 419 with isoleucine.
Molecular consequence: missense variant. On other transcripts: non-coding transcript variant (2).
Genome position (GRCh38, 1-based): chr5:126,821,004, G>A. VCF-style: chr5-126821004-G-A. GRCh37 (hg19) VCF-style: chr5-126156696-G-A.
Other names: c.1255G>A (NM_005573.3); c.625G>A, p.Val209Ile (NM_001198557.2); short protein forms V209I, V419I.
Identifiers: ClinVar variation 2990708 (VCV002990708.4), dbSNP rs765795719, ClinGen allele CA3390676.
Genomic context (GRCh38, chr5:126,821,004, plus strand): 5'-ACAGTATCCCGAGCATCCTCAAGTCGTAGTGTACGTACAACTAGAGGAAAGCGGAAGAGG[G>A]TTGATGTGGAAGAATCAGAGGCGAGTAGTAGTGTTAGCATCTCTCATTCCGCCTCAGCCA-3'
Protein context (NP_005564.1, residues 409-429): VRTTRGKRKR[Val419Ile]DVEESEASSS